The following is an entry in ClinVar:

NM_001352514.2(HLCS):c.1869del (p.Thr624fs)

Gene: HLCS (holocarboxylase synthetase; minus strand). Cytogenetic location: 21q22.13.
Variant type: Deletion.
Coding change: c.1869del on transcript NM_001352514.2 (MANE Select); coding-DNA position 1869, one base deleted (C; older notation c.1869delC).
Protein change: p.Thr624fs; shifts the reading frame from threonine 624.
Molecular consequence: frameshift variant. On other transcripts: non-coding transcript variant (2).
Genome position (GRCh38, 1-based): chr21:36,896,883, G deleted on the plus strand (C on the coding strand, the reverse complement: HLCS is on the minus strand); the first of 5 consecutive G bases (chr21:36,896,883-36,896,887); deleting any one gives the same sequence. VCF-style (leftmost placement, unchanged base first): chr21-36896882-TG-T. GRCh37 (hg19) VCF-style: chr21-38269182-TG-T.
Other names: c.1428del, p.Thr477fs (NM_000411.8, NM_001242784.3, NM_001242785.2 and 4 more transcripts); short protein forms T477fs, T624fs.
Identifiers: ClinVar variation 1069237 (VCV001069237.10), dbSNP rs2065031709, ClinGen allele CA1022162199.

ClinVar aggregate classification (germline): Pathogenic/Likely pathogenic. Review status: criteria provided, multiple submitters, no conflicts (2 of 4 stars). 2 submissions from 2 submitters: Pathogenic (1); Likely pathogenic (1). Last evaluated 2024-02-08.

Conditions:
Holocarboxylase synthetase deficiency. Also called: MULTIPLE CARBOXYLASE DEFICIENCY, EARLY ONSET. Identifiers: Orphanet 79242, MedGen C0268581, MONDO:0009666, OMIM 253270.

Submissions (2):

Baylor Genetics
Classification: Likely pathogenic for Holocarboxylase synthetase deficiency. Last evaluated: 2024-02-08. Review status: criteria provided, single submitter. Criteria: ACMG Guidelines, 2015. Collection method: clinical testing. Allele origin: unknown.

Labcorp Genetics (formerly Invitae), Labcorp
Classification: Pathogenic for Holocarboxylase synthetase deficiency. Last evaluated: 2022-11-28. Review status: criteria provided, single submitter. Criteria: Invitae Variant Classification Sherloc (09022015). Collection method: clinical testing. Allele origin: germline.
Comment: For these reasons, this variant has been classified as Pathogenic. This sequence change creates a premature translational stop signal (p.Thr477Glnfs*9) in the HLCS gene. It is expected to result in an absent or disrupted protein product. Loss-of-function variants in HLCS are known to be pathogenic (PMID: 16134170). This variant is not present in population databases (gnomAD no frequency). This variant has not been reported in the literature in individuals affected with HLCS-related conditions. ClinVar contains an entry for this variant (Variation ID: 1069237).

Literature cited by the submitters: PubMed 16134170 (cited by Labcorp Genetics (formerly Invitae), Labcorp).